The following is an entry in ClinVar:

ClinVar aggregate classification (germline): Uncertain significance (1 of 4 stars; one submission).

gnomAD v4.1: 18 of 1,613,856 alleles (0.0011%); highest among the groups gnomAD compares: Admixed American, 0.03%; no homozygotes.

Submission:

Ambry Genetics
Classification: Uncertain significance. Last evaluated: 2025-12-16. Review status: criteria provided, single submitter. Criteria: Ambry Variant Classification Scheme 2023. Collection method: clinical testing. Allele origin: germline.
Comment: The c.3731G>A (p.R1244K) alteration is located in exon 23 (coding exon 22) of the MYO18A gene. This alteration results from a G to A substitution at nucleotide position 3731, causing the arginine (R) at amino acid position 1244 to be replaced by a lysine (K). Based on data from gnomAD, the A allele has an overall frequency of 0.006% (17/280618) total alleles studied. The highest observed frequency was 0.048% (17/35364) of Latino alleles. Based on insufficient or conflicting evidence, the clinical significance of this alteration remains unclear.

NM_078471.4(MYO18A):c.3731G>A (p.Arg1244Lys)

Gene: MYO18A (myosin XVIIIA; minus strand). Cytogenetic location: 17q11.2.
Variant type: single nucleotide variant.
Coding change: c.3731G>A on transcript NM_078471.4 (MANE Select); coding-DNA position 3731, G replaced by A.
Protein change: p.Arg1244Lys; replaces arginine 1244 with lysine.
Molecular consequence: missense variant.
Genome position (GRCh38, 1-based): chr17:29,098,875, C>T on the plus strand (G>A on the coding strand, the complement: MYO18A is on the minus strand). VCF-style: chr17-29098875-C-T. GRCh37 (hg19) VCF-style: chr17-27425893-C-T.
Other names: c.3788G>A, p.Arg1263Lys (NM_001346765.2); c.3767G>A, p.Arg1256Lys (NM_001346766.2); c.3731G>A, p.Arg1244Lys (NM_001346767.2, NM_203318.2); c.2357G>A, p.Arg786Lys (NM_001346768.2); short protein forms R1256K, R1263K, R1244K, R786K.
Identifiers: ClinVar variation 4828099 (VCV004828099.1).
Genomic context (GRCh38, chr17:29,098,875, plus strand): 5'-CTGTCACATACGTCTTTGTTCCGGATCTGCTCCTCTGACAGCTGTACTTCGATGAGGGGC[C>T]TCACTGTGGTAAAAAGCTTCCACCAGGGCCAGTCCTTCACCCCTTTGTTCTTCTTGATGT-3'
Protein context (NP_510880.2, residues 1234-1254): WPWWKLFTTV[Arg1244Lys]PLIEVQLSEE